The following is an entry in ClinVar:

ClinVar aggregate classification (germline): Likely benign (0 of 4 stars; one submission).

Conditions:
MID2-related disorder. Also called: MID2-related condition.

Allele frequency attached by ClinVar (database versions not stated): TOPMed below 0.00001; gnomAD 0.00001.
gnomAD v4.1: 2 of 1,206,590 alleles (0.00017%); highest among the groups gnomAD compares: East Asian, 0.003%; no homozygotes.

Submission:

PreventionGenetics, part of Exact Sciences
Classification: Likely benign for MID2-related condition. Last evaluated: 2019-05-24. Review status: no assertion criteria provided. Collection method: clinical testing. Allele origin: germline.
Comment: This variant is classified as likely benign based on ACMG/AMP sequence variant interpretation guidelines (Richards et al. 2015 PMID: 25741868, with internal and published modifications).

NM_012216.4(MID2):c.1707A>G (p.Pro569=)

Genes: MID2 (midline 2; plus strand), LOC101928335 (uncharacterized LOC101928335; minus strand). Cytogenetic location: Xq22.3.
Variant type: single nucleotide variant.
Coding change: c.1707A>G on transcript NM_012216.4 (MANE Select); coding-DNA position 1707, A replaced by G.
Protein change: p.Pro569=; no amino-acid change (proline 569 retained).
Molecular consequence: synonymous variant.
Genome position (GRCh38, 1-based): chrX:107,926,203, A>G. VCF-style: chrX-107926203-A-G. GRCh37 (hg19) VCF-style: chrX-107169433-A-G.
Other names: c.1647A>G, p.Pro549= (NM_001382751.1); c.1557A>G, p.Pro519= (NM_001382752.1); c.1617A>G, p.Pro539= (NM_052817.3).
Identifiers: ClinVar variation 3044191 (VCV003044191.2), dbSNP rs1371525633, ClinGen allele CA517987469.
Genomic context (GRCh38, chrX:107,926,203, plus strand): 5'-CTCCAATGATGGATTGCAGATGGAGAAGGATGAAAGCTCTCTAAAGAAGAGCCACACCCC[A>G]GAGAGGTTTAGTGGCACAGGGTGCTATGGGGCAGCAGGAAATATATTCATTGACAGTGGC-3'
Protein context (NP_036348.2, residues 559-579): DESSLKKSHT[Pro569=]ERFSGTGCYG